The following is an entry in ClinVar:

NM_003079.5(SMARCE1):c.1099A>G (p.Lys367Glu)

Gene: SMARCE1 (SWI/SNF related BAF chromatin remodeling complex subunit E1; minus strand). Cytogenetic location: 17q21.2.
Variant type: single nucleotide variant.
Coding change: c.1099A>G on transcript NM_003079.5 (MANE Select); coding-DNA position 1099, A replaced by G.
Protein change: p.Lys367Glu; replaces lysine 367 with glutamic acid.
Molecular consequence: missense variant.
Genome position (GRCh38, 1-based): chr17:40,628,922, T>C on the plus strand (A>G on the coding strand, the complement: SMARCE1 is on the minus strand). VCF-style: chr17-40628922-T-C. GRCh37 (hg19) VCF-style: chr17-38785174-T-C.
Other names: short protein forms K367E.
Identifiers: ClinVar variation 3689566 (VCV003689566.3).

ClinVar aggregate classification (germline): Uncertain significance. Review status: criteria provided, multiple submitters, no conflicts (2 of 4 stars). 2 submissions from 2 submitters: Uncertain significance (2). Last evaluated 2025-12-17.

Conditions:
Familial meningioma. Also called: Meningioma, familial, susceptibility to. Identifiers: Orphanet 263662, MedGen C3551915, MONDO:0011789, OMIM 607174.
Hereditary cancer-predisposing syndrome. Also called: Hereditary Cancer Syndrome; Neoplastic Syndromes, Hereditary; Tumor predisposition; Hereditary neoplastic syndrome. Identifiers: Orphanet 140162, MedGen C0027672, MeSH D009386, MONDO:0015356.

Submissions (2):

Ambry Genetics
Classification: Uncertain significance for Hereditary cancer-predisposing syndrome. Last evaluated: 2025-12-17. Review status: criteria provided, single submitter. Criteria: Ambry Variant Classification Scheme 2023. Collection method: clinical testing. Allele origin: germline.
Comment: The p.K367E variant (also known as c.1099A>G), located in coding exon 10 of the SMARCE1 gene, results from an A to G substitution at nucleotide position 1099. The lysine at codon 367 is replaced by glutamic acid, an amino acid with similar properties. This amino acid position is conserved. In addition, this alteration is predicted to be tolerated by in silico analysis. Based on the available evidence, the clinical significance of this variant remains unclear.

Labcorp Genetics (formerly Invitae), Labcorp
Classification: Uncertain significance for Familial meningioma. Last evaluated: 2024-08-27. Review status: criteria provided, single submitter. Criteria: Invitae Variant Classification Sherloc (09022015). Collection method: clinical testing. Allele origin: germline.
Comment: This sequence change replaces lysine, which is basic and polar, with glutamic acid, which is acidic and polar, at codon 367 of the SMARCE1 protein (p.Lys367Glu). This variant is not present in population databases (gnomAD no frequency). This variant has not been reported in the literature in individuals affected with SMARCE1-related conditions. Invitae Evidence Modeling of protein sequence and biophysical properties (such as structural, functional, and spatial information, amino acid conservation, physicochemical variation, residue mobility, and thermodynamic stability) indicates that this missense variant is not expected to disrupt SMARCE1 protein function with a negative predictive value of 80%. In summary, the available evidence is currently insufficient to determine the role of this variant in disease. Therefore, it has been classified as a Variant of Uncertain Significance.